The following is an entry in ClinVar:

ClinVar aggregate classification (germline): Uncertain significance (1 of 4 stars; one submission).

Allele frequency attached by ClinVar (database versions not stated): TOPMed 0.00002.
gnomAD v4.1: 2 of 1,429,454 alleles (0.00014%); highest among the groups gnomAD compares: Non-Finnish European, 0.00018%; no homozygotes.

Submission:

Labcorp Genetics (formerly Invitae), Labcorp
Classification: Uncertain significance. Last evaluated: 2023-06-29. Review status: criteria provided, single submitter. Criteria: Invitae Variant Classification Sherloc (09022015). Collection method: clinical testing. Allele origin: germline.
Comment: In summary, the available evidence is currently insufficient to determine the role of this variant in disease. Therefore, it has been classified as a Variant of Uncertain Significance. Advanced modeling of protein sequence and biophysical properties (such as structural, functional, and spatial information, amino acid conservation, physicochemical variation, residue mobility, and thermodynamic stability) performed at Invitae indicates that this missense variant is not expected to disrupt CDK13 protein function. ClinVar contains an entry for this variant (Variation ID: 2016809). This variant has not been reported in the literature in individuals affected with CDK13-related conditions. This variant is not present in population databases (gnomAD no frequency). This sequence change replaces serine, which is neutral and polar, with arginine, which is basic and polar, at codon 16 of the CDK13 protein (p.Ser16Arg).

NM_003718.5(CDK13):c.48C>G (p.Ser16Arg)

Gene: CDK13 (cyclin dependent kinase 13; plus strand). Cytogenetic location: 7p14.1.
Variant type: single nucleotide variant.
Coding change: c.48C>G on transcript NM_003718.5 (MANE Select); coding-DNA position 48, C replaced by G.
Protein change: p.Ser16Arg; replaces serine 16 with arginine.
Molecular consequence: missense variant.
Genome position (GRCh38, 1-based): chr7:39,950,689, C>G. VCF-style: chr7-39950689-C-G. GRCh37 (hg19) VCF-style: chr7-39990288-C-G.
Other names: c.48C>G, p.Ser16Arg (NM_031267.4); short protein forms S16R.
Identifiers: ClinVar variation 2016809 (VCV002016809.4), dbSNP rs1011234458, ClinGen allele CA157707107.